The following is an entry in ClinVar:

NM_014239.4(EIF2B2):c.127C>T (p.Arg43Cys)

Gene: EIF2B2 (eukaryotic translation initiation factor 2B subunit beta; plus strand). Cytogenetic location: 14q24.3.
Variant type: single nucleotide variant.
Coding change: c.127C>T on transcript NM_014239.4 (MANE Select); coding-DNA position 127, C replaced by T.
Protein change: p.Arg43Cys; replaces arginine 43 with cysteine.
Molecular consequence: missense variant.
Genome position (GRCh38, 1-based): chr14:75,003,117, C>T. VCF-style: chr14-75003117-C-T. GRCh37 (hg19) VCF-style: chr14-75469820-C-T.
Other names: c.127C>T (NM_014239.3); short protein forms R43C.
Identifiers: ClinVar variation 1466952 (VCV001466952.7), dbSNP rs372838502, ClinGen allele CA7274785.
Genomic context (GRCh38, chr14:75,003,117, plus strand): 5'-AAGCGGGGTGGTGGGCCGCGCAGCTCCGAGGAAATGGCTCGGGAGACCCTAGGGTTGCTG[C>T]GCCAGATCATCACGGACCACCGCTGGAGCAACGCGGGTGAGGCCGGCCTGCCTCCGCCGG-3'
Protein context (NP_055054.1, residues 33-53): EMARETLGLL[Arg43Cys]QIITDHRWSN

ClinVar aggregate classification (germline): Uncertain significance. Review status: criteria provided, multiple submitters, no conflicts (2 of 4 stars). 2 submissions from 2 submitters: Uncertain significance (2). Last evaluated 2025-09-26.

Conditions:
Inborn genetic diseases. Identifiers: MedGen C0950123, MeSH D030342.

Allele frequency attached by ClinVar (database versions not stated): ExAC 0.00002; gnomAD 0.00001; gnomAD exomes 0.00001; TOPMed 0.00002; ESP Exome Variant Server 0.00008.
gnomAD v4.1: 21 of 1,613,426 alleles (0.0013%); highest among the groups gnomAD compares: Non-Finnish European, 0.0017%; no homozygotes.

Submissions (2):

Ambry Genetics
Classification: Uncertain significance for Inborn genetic diseases. Last evaluated: 2025-09-26. Review status: criteria provided, single submitter. Criteria: Ambry Variant Classification Scheme 2023. Collection method: clinical testing. Allele origin: germline.

Labcorp Genetics (formerly Invitae), Labcorp
Classification: Uncertain significance. Last evaluated: 2021-08-27. Review status: criteria provided, single submitter. Criteria: Invitae Variant Classification Sherloc (09022015). Collection method: clinical testing. Allele origin: germline.
Comment: This sequence change replaces arginine with cysteine at codon 43 of the EIF2B2 protein (p.Arg43Cys). The arginine residue is highly conserved and there is a large physicochemical difference between arginine and cysteine. This variant is present in population databases (rs372838502, ExAC 0.003%). This variant has not been reported in the literature in individuals affected with EIF2B2-related conditions. Algorithms developed to predict the effect of missense changes on protein structure and function output the following: SIFT: "Deleterious"; PolyPhen-2: "Possibly Damaging"; Align-GVGD: "Class C25". The cysteine amino acid residue is found in multiple mammalian species, which suggests that this missense change does not adversely affect protein function. In summary, the available evidence is currently insufficient to determine the role of this variant in disease. Therefore, it has been classified as a Variant of Uncertain Significance.